The following is an entry in ClinVar:

NM_001374828.1(ARID1B):c.3209_3220del (p.Ala1070_Met1073del)

Gene: ARID1B (AT-rich interaction domain 1B; plus strand). Cytogenetic location: 6q25.3.
Variant type: Deletion.
Coding change: c.3209_3220del on transcript NM_001374828.1 (MANE Select); coding-DNA positions 3209 to 3220, 12 bases deleted (CGCCCGCCATGG).
Protein change: p.Ala1070_Met1073del.
Molecular consequence: inframe deletion. On other transcripts: inframe indel (1).
Genome position (GRCh38, 1-based): chr6:157,167,159-157,167,170, CGCCCGCCATGG deleted; deleting any 12 consecutive bases within chr6:157,167,154-157,167,170 gives the same sequence; the c. name uses the placement nearest the transcript's 3' end. VCF-style (leftmost placement, unchanged base first): chr6-157167153-GCATGGCGCCCGC-G. GRCh37 (hg19) VCF-style: chr6-157488287-GCATGGCGCCCGC-G.
Other names: c.2999_3010del12 (NM_020732.3); c.710_721del, p.Ala237_Met240del (NM_001363725.2); c.3248_3259del, p.Ala1083_Met1086del (NM_001371656.1, NM_001374820.1); c.3209_3220del, p.Ala1070_Met1073del (NM_017519.3).
Identifiers: ClinVar variation 1798594 (VCV001798594.5), dbSNP rs1791383576, ClinGen allele CA1675531106.
Genomic context (GRCh38, chr6:157,167,153, plus strand): 5'-CCTACAGCCAGCCCATGAACAACAGCTCTAGCCTGATGAACACGCAGGCGCCGCCCTACA[GCATGGCGCCCGC>G]CATGGTGAACAGCTCGGCAGGTAACCTTGGCAGCTCTGCGCTCCTGAGCCCCTCTCTCTC-3'

ClinVar aggregate classification (germline): Uncertain significance. Review status: criteria provided, multiple submitters, no conflicts (2 of 4 stars). 2 submissions from 2 submitters: Uncertain significance (2). Last evaluated 2023-08-14.

Conditions:
Inborn genetic diseases. Identifiers: MedGen C0950123, MeSH D030342.

Submissions (2):

Labcorp Genetics (formerly Invitae), Labcorp
Classification: Uncertain significance. Last evaluated: 2023-08-14. Review status: criteria provided, single submitter. Criteria: Invitae Variant Classification Sherloc (09022015). Collection method: clinical testing. Allele origin: germline.
Comment: ClinVar contains an entry for this variant (Variation ID: 1798594). This variant, c.2999_3010del, results in the deletion of 4 amino acid(s) of the ARID1B protein (p.Ala1000_Met1003del), but otherwise preserves the integrity of the reading frame. This variant is not present in population databases (gnomAD no frequency). This variant has not been reported in the literature in individuals affected with ARID1B-related conditions. Experimental studies and prediction algorithms are not available or were not evaluated, and the functional significance of this variant is currently unknown. In summary, the available evidence is currently insufficient to determine the role of this variant in disease. Therefore, it has been classified as a Variant of Uncertain Significance.

Ambry Genetics
Classification: Uncertain significance for Inborn genetic diseases. Last evaluated: 2019-03-05. Review status: criteria provided, single submitter. Criteria: Ambry Variant Classification Scheme 2023. Collection method: clinical testing. Allele origin: germline.
Comment: The c.2999_3010del12 variant (also known as p.A1000_M1003del) is located in coding exon 10 of the ARID1B gene. This variant results from an in-frame CGCCCGCCATGG deletion at nucleotide positions 2999 to 3010. This results in the in-frame deletion of four proteins at codon 1000. These amino acid positions are not well conserved in available vertebrate species. Since supporting evidence is limited at this time, the clinical significance of this alteration remains unclear.